The following is an entry in ClinVar:

NM_000059.4(BRCA2):c.8260C>G (p.His2754Asp)

Gene: BRCA2 (BRCA2 DNA repair associated; plus strand). Cytogenetic location: 13q13.1.
Variant type: single nucleotide variant.
Coding change: c.8260C>G on transcript NM_000059.4 (MANE Select); coding-DNA position 8260, C replaced by G.
Protein change: p.His2754Asp; replaces histidine 2754 with aspartic acid.
Molecular consequence: missense variant.
Genome position (GRCh38, 1-based): chr13:32,363,462, C>G. VCF-style: chr13-32363462-C-G. GRCh37 (hg19) VCF-style: chr13-32937599-C-G.
Other names: c.8164C>G, p.His2722Asp (NM_001406719.1); c.8260C>G, p.His2754Asp (NM_001406720.1); c.3328C>G, p.His1110Asp (NM_001406721.1); c.1843C>G, p.His615Asp (NM_001406722.1); short protein forms H615D, H2754D, H2722D, H1110D.
Identifiers: ClinVar variation 1762670 (VCV001762670.2), dbSNP rs2137582370, ClinGen allele CA387749987.

ClinVar aggregate classification (germline): Uncertain significance (1 of 4 stars; one submission).

Conditions:
Hereditary cancer-predisposing syndrome. Also called: Neoplastic Syndromes, Hereditary; Tumor predisposition; Hereditary Cancer Syndrome; Hereditary neoplastic syndrome. Identifiers: Orphanet 140162, MedGen C0027672, MeSH D009386, MONDO:0015356.

Submission:

Ambry Genetics
Classification: Uncertain significance for Hereditary cancer-predisposing syndrome. Last evaluated: 2018-12-14. Review status: criteria provided, single submitter. Criteria: Ambry Variant Classification Scheme 2023. Collection method: clinical testing. Allele origin: germline.
Comment: The p.H2754D variant (also known as c.8260C>G), located in coding exon 17 of the BRCA2 gene, results from a C to G substitution at nucleotide position 8260. The histidine at codon 2754 is replaced by aspartic acid, an amino acid with similar properties. This amino acid position is not well conserved in available vertebrate species. In addition, this alteration is predicted to be deleterious by in silico analysis. Since supporting evidence is limited at this time, the clinical significance of this alteration remains unclear.